The following is an entry in ClinVar:

ClinVar aggregate classification (germline): Benign. Review status: criteria provided, multiple submitters, no conflicts (2 of 4 stars). 4 submissions from 4 submitters: Benign (4). Last evaluated 2024-01-31.

Allele frequency attached by ClinVar (database versions not stated): ESP Exome Variant Server 0.01078; 1000 Genomes Project 0.01098; 1000 Genomes Project 30x 0.01249; gnomAD 0.02272; TOPMed 0.01057.

Submissions (4):

Labcorp Genetics (formerly Invitae), Labcorp
Classification: Benign. Last evaluated: 2024-01-31. Review status: criteria provided, single submitter. Criteria: Invitae Variant Classification Sherloc (09022015). Collection method: clinical testing. Allele origin: germline.

GeneDx
Classification: Benign. Last evaluated: 2017-03-27. Review status: criteria provided, single submitter. Criteria: GeneDx Variant Classification (06012015). Collection method: clinical testing. Allele origin: germline. Affected: yes.
Comment: This variant is considered likely benign or benign based on one or more of the following criteria: it is a conservative change, it occurs at a poorly conserved position in the protein, it is predicted to be benign by multiple in silico algorithms, and/or has population frequency not consistent with disease.

Eurofins Ntd Llc (ga)
Classification: Benign. Last evaluated: 2016-01-20. Review status: criteria provided, single submitter. Criteria: EGL Classification Definitions 2015. Collection method: clinical testing. Allele origin: germline. Observed: 2 variant alleles, 2 heterozygotes.

Laboratory for Molecular Medicine, Mass General Brigham Personalized Medicine
Classification: Benign. Last evaluated: 2012-05-07. Review status: criteria provided, single submitter. Criteria: LMM Criteria. Collection method: clinical testing. Allele origin: germline. Observed: 11 variant alleles.
Comment: Arg620Leu in Exon 18 of USH1C: This variant is not expected to have clinical sig nificance because it has been identified in 2.9% (110/3738) of African American chromosomes from a broad population by the NHLBI Exome Sequencing Project (dbSNP rs139996942).

NM_153676.4(USH1C):c.1859G>T (p.Arg620Leu)

Gene: USH1C (USH1 protein network component harmonin; minus strand). Cytogenetic location: 11p15.1.
Variant type: single nucleotide variant.
Coding change: c.1859G>T on transcript NM_153676.4 (MANE Select); coding-DNA position 1859, G replaced by T.
Protein change: p.Arg620Leu; replaces arginine 620 with leucine.
Molecular consequence: missense variant. On other transcripts: intron variant (2).
Genome position (GRCh38, 1-based): chr11:17,509,510, C>A on the plus strand (G>T on the coding strand, the complement: USH1C is on the minus strand). VCF-style: chr11-17509510-C-A. GRCh37 (hg19) VCF-style: chr11-17531057-C-A.
Other names: c.1228-7530G>T (NM_001297764.2); c.1285-7530G>T (NM_005709.4); short protein forms R620L.
Identifiers: ClinVar variation 166377 (VCV000166377.19), dbSNP rs139996942, ClinGen allele CA179470.
Genomic context (GRCh38, chr11:17,509,510, plus strand): 5'-GTGTCCCCAGTGCGGAAGGGATGGTTGCTCAGTGCTTCTTCCAGCGCCGAGGGCAGTGGG[C>A]GGGTGGGAGTGAGGTCTTGGGTGGGAACGGATGGCGGGGGAGGGATGGGAATGGGGGGTG-3'
Protein context (NP_710142.1, residues 610-630): SVPTQDLTPT[Arg620Leu]PLPSALEEAL